The following is an entry in ClinVar:

ClinVar aggregate classification (germline): Uncertain significance (1 of 4 stars; one submission).

Conditions:
LARS1-related disorder. Also called: LARS1-related condition.

Submission:

PreventionGenetics, part of Exact Sciences
Classification: Uncertain significance for LARS1-related condition. Last evaluated: 2023-05-12. Review status: criteria provided, single submitter. Criteria: ACMG Guidelines, 2015. Collection method: clinical testing. Allele origin: germline.
Comment: The LARS1 c.6+4A>C variant is predicted to interfere with splicing. , which is predicted to weaken the canonical splice donor site at the boundary of exon 1 and intron 1 (Alamut Visual Plus v1.6.1). To our knowledge, this variant has not been reported in the literature or in a large population database, indicating this variant is rare. At this time, the clinical significance of this variant is uncertain due to the absence of conclusive functional and genetic evidence.

NM_020117.11(LARS1):c.6+4A>C

Gene: LARS1 (leucyl-tRNA synthetase 1; minus strand). Cytogenetic location: 5q32.
Variant type: single nucleotide variant.
Coding change: c.6+4A>C on transcript NM_020117.11 (MANE Select); 4 bases into the intron after coding-DNA position 6, A replaced by C.
Molecular consequence: intron variant.
Genome position (GRCh38, 1-based): chr5:146,182,484, T>G on the plus strand (A>C on the coding strand, the complement: LARS1 is on the minus strand). VCF-style: chr5-146182484-T-G. GRCh37 (hg19) VCF-style: chr5-145562047-T-G.
Other names: c.-38+4A>C (NM_001317965.2); c.6+4A>C (NM_016460.4, NM_001317964.2).
Identifiers: ClinVar variation 2628957 (VCV002628957.1), dbSNP rs80224566, ClinGen allele CA2695198763.
Genomic context (GRCh38, chr5:146,182,484, plus strand): 5'-GAGCCCCTAGAGACTGGCCAGTCCGGCTCCAGGGCCCCTGCGGATTCTTCTCGCTCAAAC[T>G]CACCGCCATTGCACCGCCCAGCCGACTGTGCAAATCCACGACAATGACCCTGGCGACCTC-3'